The following is an entry in ClinVar:

NM_002887.4(RARS1):c.1277T>C (p.Ile426Thr)

Gene: RARS1 (arginyl-tRNA synthetase 1; plus strand). Cytogenetic location: 5q34.
Variant type: single nucleotide variant.
Coding change: c.1277T>C on transcript NM_002887.4 (MANE Select); coding-DNA position 1277, T replaced by C.
Protein change: p.Ile426Thr; replaces isoleucine 426 with threonine.
Molecular consequence: missense variant.
Genome position (GRCh38, 1-based): chr5:168,506,762, T>C. VCF-style: chr5-168506762-T-C. GRCh37 (hg19) VCF-style: chr5-167933767-T-C.
Other names: short protein forms I426T.
Identifiers: ClinVar variation 2022988 (VCV002022988.4), dbSNP rs2533386760, ClinGen allele CA362082288.

ClinVar aggregate classification (germline): Uncertain significance (1 of 4 stars; one submission).

Allele frequency attached by ClinVar (database versions not stated): gnomAD exomes below 0.00001.

Submission:

Labcorp Genetics (formerly Invitae), Labcorp
Classification: Uncertain significance. Last evaluated: 2024-02-24. Review status: criteria provided, single submitter. Criteria: Invitae Variant Classification Sherloc (09022015). Collection method: clinical testing. Allele origin: germline.
Comment: This sequence change replaces isoleucine, which is neutral and non-polar, with threonine, which is neutral and polar, at codon 426 of the RARS protein (p.Ile426Thr). This variant is not present in population databases (gnomAD no frequency). This variant has not been reported in the literature in individuals affected with RARS-related conditions. ClinVar contains an entry for this variant (Variation ID: 2022988). Advanced modeling of protein sequence and biophysical properties (such as structural, functional, and spatial information, amino acid conservation, physicochemical variation, residue mobility, and thermodynamic stability) performed at Invitae indicates that this missense variant is not expected to disrupt RARS protein function with a negative predictive value of 80%. In summary, the available evidence is currently insufficient to determine the role of this variant in disease. Therefore, it has been classified as a Variant of Uncertain Significance.